The following is an entry in ClinVar:

NM_022124.6(CDH23):c.1514+18_1514+19delinsTT

Gene: CDH23 (cadherin related 23; plus strand). Cytogenetic location: 10q22.1.
Variant type: Indel.
Coding change: c.1514+18_1514+19delinsTT on transcript NM_022124.6 (MANE Select); bases 18 to 19 of the intron after coding-DNA position 1514, GC replaced by TT.
Molecular consequence: intron variant.
Genome position (GRCh38, 1-based): chr10:71,675,194-71,675,195, GC replaced by TT. VCF-style: chr10-71675194-GC-TT. GRCh37 (hg19) VCF-style: chr10-73434951-GC-TT.
Other names: c.1514+18_1514+19delinsTT (NM_001171930.2, NM_001171931.2).
Identifiers: ClinVar variation 2139633 (VCV002139633.1), dbSNP rs2493928381, ClinGen allele CA2580081807.

ClinVar aggregate classification (germline): Uncertain significance (1 of 4 stars; one submission).

Submission:

Labcorp Genetics (formerly Invitae), Labcorp
Classification: Uncertain significance. Last evaluated: 2022-03-12. Review status: criteria provided, single submitter. Criteria: Invitae Variant Classification Sherloc (09022015). Collection method: clinical testing. Allele origin: germline.
Comment: This sequence change falls in intron 15 of the CDH23 gene. It does not directly change the encoded amino acid sequence of the CDH23 protein. Information on the frequency of this variant in the gnomAD database is not available, as this variant may be reported differently in the database. This variant has not been reported in the literature in individuals affected with CDH23-related conditions. In summary, the available evidence is currently insufficient to determine the role of this variant in disease. Therefore, it has been classified as a Variant of Uncertain Significance.